The following is an entry in ClinVar:

ClinVar aggregate classification (germline): Uncertain significance (1 of 4 stars; one submission).

Allele frequency attached by ClinVar (database versions not stated): TOPMed 0.00001; gnomAD exomes 0.00001.

Submission:

Labcorp Genetics (formerly Invitae), Labcorp
Classification: Uncertain significance. Last evaluated: 2022-03-06. Review status: criteria provided, single submitter. Criteria: Invitae Variant Classification Sherloc (09022015). Collection method: clinical testing. Allele origin: germline.
Comment: This sequence change replaces isoleucine, which is neutral and non-polar, with threonine, which is neutral and polar, at codon 404 of the FAM111A protein (p.Ile404Thr). This variant is present in population databases (no rsID available, gnomAD 0.0009%). This variant has not been reported in the literature in individuals affected with FAM111A-related conditions. Algorithms developed to predict the effect of missense changes on protein structure and function are either unavailable or do not agree on the potential impact of this missense change (SIFT: "Tolerated"; PolyPhen-2: "Probably Damaging"; Align-GVGD: "Class C0"). In summary, the available evidence is currently insufficient to determine the role of this variant in disease. Therefore, it has been classified as a Variant of Uncertain Significance.

NM_001312909.2(FAM111A):c.1211T>C (p.Ile404Thr)

Gene: FAM111A (FAM111 trypsin like peptidase A; plus strand). Cytogenetic location: 11q12.1.
Variant type: single nucleotide variant.
Coding change: c.1211T>C on transcript NM_001312909.2 (MANE Select); coding-DNA position 1211, T replaced by C.
Protein change: p.Ile404Thr; replaces isoleucine 404 with threonine.
Molecular consequence: missense variant.
Genome position (GRCh38, 1-based): chr11:59,152,879, T>C. VCF-style: chr11-59152879-T-C. GRCh37 (hg19) VCF-style: chr11-58920352-T-C.
Other names: c.1211T>C, p.Ile404Thr (NM_001142519.3, NM_001142520.3, NM_001142521.3 and 29 more transcripts); short protein forms I404T.
Identifiers: ClinVar variation 2056695 (VCV002056695.4), dbSNP rs971149942, ClinGen allele CA223177932.